The following is an entry in ClinVar:

ClinVar aggregate classification (germline): Uncertain significance. Review status: criteria provided, multiple submitters, no conflicts (2 of 4 stars). 3 submissions from 3 submitters: Uncertain significance (3). Last evaluated 2025-11-05.

Conditions:
Hereditary cancer-predisposing syndrome. Also called: Neoplastic Syndromes, Hereditary; Hereditary Cancer Syndrome; Tumor predisposition; Hereditary neoplastic syndrome. Identifiers: Orphanet 140162, MedGen C0027672, MeSH D009386, MONDO:0015356.
Familial adenomatous polyposis 1 (FAP1). Also called: POLYPOSIS, ADENOMATOUS INTESTINAL; FAMILIAL ADENOMATOUS POLYPOSIS 1, ATTENUATED. Identifiers: MedGen C2713442, MONDO:0021056, OMIM 175100. Disease mechanism: loss of function.

Submissions (3):

Labcorp Genetics (formerly Invitae), Labcorp
Classification: Uncertain significance for Familial adenomatous polyposis 1. Last evaluated: 2025-11-05. Review status: criteria provided, single submitter. Criteria: Invitae Variant Classification Sherloc (09022015). Collection method: clinical testing. Allele origin: germline.
Comment: This sequence change replaces proline, which is neutral and non-polar, with serine, which is neutral and polar, at codon 2392 of the APC protein (p.Pro2392Ser). This variant is not present in population databases (gnomAD no frequency). This missense change has been observed in individual(s) with rectum cancer (PMID: 27978560). ClinVar contains an entry for this variant (Variation ID: 572715). Invitae Evidence Modeling of protein sequence and biophysical properties (such as structural, functional, and spatial information, amino acid conservation, physicochemical variation, residue mobility, and thermodynamic stability) indicates that this missense variant is not expected to disrupt APC protein function with a negative predictive value of 95%. In summary, the available evidence is currently insufficient to determine the role of this variant in disease. Therefore, it has been classified as a Variant of Uncertain Significance.

Color Diagnostics, LLC DBA Color Health
Classification: Uncertain significance for Hereditary cancer-predisposing syndrome. Last evaluated: 2019-07-03. Review status: criteria provided, single submitter. Criteria: ACMG Guidelines, 2015. Collection method: clinical testing. Allele origin: germline.
Comment: This missense variant replaces proline with serine at codon 2392 of the APC protein. Computational prediction tools and conservation analyses are inconclusive regarding the impact of this variant on the protein function. Computational splicing tools suggest that this variant may not impact RNA splicing. To our knowledge, functional assays have not been performed for this variant. This variant has been reported in an individual affected with cancer of the rectum (PMID: 27978560). This variant has not been identified in the general population by the Genome Aggregation Database (gnomAD). Available evidence is insufficient to determine the role of this variant in disease conclusively. Therefore, this variant is classified as a Variant of Uncertain Significance.

Ambry Genetics
Classification: Uncertain significance for Hereditary cancer-predisposing syndrome. Last evaluated: 2018-03-23. Review status: criteria provided, single submitter. Criteria: Ambry Variant Classification Scheme 2023. Collection method: clinical testing. Allele origin: germline.
Comment: The p.P2392S variant (also known as c.7174C>T), located in coding exon 15 of the APC gene, results from a C to T substitution at nucleotide position 7174. The proline at codon 2392 is replaced by serine, an amino acid with similar properties. This amino acid position is well conserved in available vertebrate species. In addition, in silico predictors for this gene do not accurately predict pathogenicity. Since supporting evidence is limited at this time, the clinical significance of this alteration remains unclear.

Literature cited by the submitters: PubMed 27978560 (cited by Labcorp Genetics (formerly Invitae), Labcorp and Ambry Genetics).

NM_000038.6(APC):c.7174C>T (p.Pro2392Ser)

Gene: APC (APC regulator of Wnt signaling pathway; plus strand). Cytogenetic location: 5q22.2.
Variant type: single nucleotide variant.
Coding change: c.7174C>T on transcript NM_000038.6 (MANE Select); coding-DNA position 7174, C replaced by T.
Protein change: p.Pro2392Ser; replaces proline 2392 with serine.
Molecular consequence: missense variant.
Genome position (GRCh38, 1-based): chr5:112,842,768, C>T. VCF-style: chr5-112842768-C-T. GRCh37 (hg19) VCF-style: chr5-112178465-C-T.
Other names: c.7174C>T, p.Pro2392Ser (NM_001127510.3, NM_001354895.2); c.7120C>T, p.Pro2374Ser (NM_001127511.3); c.7228C>T, p.Pro2410Ser (NM_001354896.2); c.7204C>T, p.Pro2402Ser (NM_001354897.2); c.7099C>T, p.Pro2367Ser (NM_001354898.2); c.7090C>T, p.Pro2364Ser (NM_001354899.2); c.7051C>T, p.Pro2351Ser (NM_001354900.2); c.6997C>T, p.Pro2333Ser (NM_001354901.2); and 5 more; short protein forms P2392S, P2374S, P2291S, P2410S, P2232S, P2333S, P2351S, P2109S.
Identifiers: ClinVar variation 572715 (VCV000572715.13), dbSNP rs730881257, ClinGen allele CA16036956.